The following is an entry in ClinVar:

NM_032043.3(BRIP1):c.2825G>A (p.Cys942Tyr)

Gene: BRIP1 (BRCA1 interacting DNA helicase 1; minus strand). Cytogenetic location: 17q23.2.
Variant type: single nucleotide variant.
Coding change: c.2825G>A on transcript NM_032043.3 (MANE Select); coding-DNA position 2825, G replaced by A.
Protein change: p.Cys942Tyr; replaces cysteine 942 with tyrosine.
Molecular consequence: missense variant.
Genome position (GRCh38, 1-based): chr17:61,685,916, C>T on the plus strand (G>A on the coding strand, the complement: BRIP1 is on the minus strand). VCF-style: chr17-61685916-C-T. GRCh37 (hg19) VCF-style: chr17-59763277-C-T.
Other names: short protein forms C942Y.
Identifiers: ClinVar variation 234030 (VCV000234030.14), dbSNP rs370330739, ClinGen allele CA8690452.
Genomic context (GRCh38, chr17:61,685,916, plus strand): 5'-ATGCTACTTGGTAGAGGTGAATTTTTGGTAATAATTTTAGGACACTGTAGTTCCTGGACA[C>T]ATATCTTTGCTTCATCTTCCACAAAATTTTCTGGTGATAGATGACTTGCTGCTTCCAGTA-3'
Protein context (NP_114432.2, residues 932-952): ENFVEDEAKI[Cys942Tyr]VQELQCPKII

ClinVar aggregate classification (germline): Uncertain significance. Review status: criteria provided, multiple submitters, no conflicts (2 of 4 stars). 2 submissions from 2 submitters: Uncertain significance (2). Last evaluated 2025-08-18.

Conditions:
Fanconi anemia complementation group J. Also called: BRIP1-Related Fanconi Anemia. Identifiers: Orphanet 84, MedGen C1836860, MONDO:0012187, OMIM 609054.
Familial cancer of breast. Also called: hereditary breast carcinoma; BREAST CANCER, FAMILIAL; Hereditary breast cancer. Identifiers: Orphanet 227535, MedGen C0346153, MONDO:0016419, OMIM 114480. Disease mechanism: loss of function.
Hereditary cancer-predisposing syndrome. Also called: Tumor predisposition; Hereditary Cancer Syndrome; Hereditary neoplastic syndrome; Neoplastic Syndromes, Hereditary. Identifiers: Orphanet 140162, MedGen C0027672, MeSH D009386, MONDO:0015356.

Allele frequency attached by ClinVar (database versions not stated): gnomAD exomes below 0.00001 and 0.00001; TOPMed below 0.00001; ExAC 0.00002; ESP Exome Variant Server 0.00008.
gnomAD v4.1: 8 of 1,614,076 alleles (0.0005%); highest among the groups gnomAD compares: African/African-American, 0.0013%; no homozygotes.

Submissions (2):

Labcorp Genetics (formerly Invitae), Labcorp
Classification: Uncertain significance for Familial cancer of breast; Fanconi anemia complementation group J. Last evaluated: 2025-08-18. Review status: criteria provided, single submitter. Criteria: Invitae Variant Classification Sherloc (09022015). Collection method: clinical testing. Allele origin: germline.
Comment: This sequence change replaces cysteine, which is neutral and slightly polar, with tyrosine, which is neutral and polar, at codon 942 of the BRIP1 protein (p.Cys942Tyr). This variant is present in population databases (rs370330739, gnomAD 0.007%). This variant has not been reported in the literature in individuals affected with BRIP1-related conditions. ClinVar contains an entry for this variant (Variation ID: 234030). Invitae Evidence Modeling of protein sequence and biophysical properties (such as structural, functional, and spatial information, amino acid conservation, physicochemical variation, residue mobility, and thermodynamic stability) indicates that this missense variant is not expected to disrupt BRIP1 protein function with a negative predictive value of 95%. In summary, the available evidence is currently insufficient to determine the role of this variant in disease. Therefore, it has been classified as a Variant of Uncertain Significance.

Ambry Genetics
Classification: Uncertain significance for Hereditary cancer-predisposing syndrome. Last evaluated: 2023-07-10. Review status: criteria provided, single submitter. Criteria: Ambry Variant Classification Scheme 2023. Collection method: clinical testing. Allele origin: germline.
Comment: The p.C942Y variant (also known as c.2825G>A), located in coding exon 18 of the BRIP1 gene, results from a G to A substitution at nucleotide position 2825. The cysteine at codon 942 is replaced by tyrosine, an amino acid with highly dissimilar properties. This amino acid position is not well conserved in available vertebrate species. In addition, this alteration is predicted to be tolerated by in silico analysis. Since supporting evidence is limited at this time, the clinical significance of this alteration remains unclear.